The following is an entry in ClinVar:

ClinVar aggregate classification (germline): Uncertain significance (1 of 4 stars; one submission).

Submission:

CeGaT Center for Human Genetics Tuebingen
Classification: Uncertain significance. Last evaluated: 2023-08-01. Review status: criteria provided, single submitter. Criteria: CeGaT Center For Human Genetics Tuebingen Variant Classification Criteria Version 2. Collection method: clinical testing. Allele origin: germline. Affected: yes. Observed: 1 variant allele.
Comment: APP: PM2, BP4

NM_000484.4(APP):c.58-28004_58-28001del

Genes: APP (amyloid beta precursor protein; minus strand), LOC126653331 (BRD4-independent group 4 enhancer GRCh37_chr21:27511930-27513129; plus strand). Cytogenetic location: 21q21.3.
Variant type: Deletion.
Coding change: c.58-28004_58-28001del on transcript NM_000484.4 (MANE Select); 28004 bases into the intron before coding-DNA position 58 through 28001 bases into the intron before coding-DNA position 58, 4 bases deleted (AAGT; older notation c.58-28004_58-28001delAAGT).
Molecular consequence: intron variant. On other transcripts: splice donor variant (1).
Genome position (GRCh38, 1-based): chr21:26,140,147-26,140,150, ACTT deleted on the plus strand (AAGT on the coding strand, the reverse complement: APP is on the minus strand); deleting any 4 consecutive bases within chr21:26,140,147-26,140,152 gives the same sequence; the c. name uses the placement nearest the transcript's 3' end. VCF-style (leftmost placement, unchanged base first): chr21-26140146-CACTT-C. GRCh37 (hg19) VCF-style: chr21-27512464-CACTT-C.
Other names: c.42+3_42+6del (NM_001136016.3); c.-48-28004_-48-28001del (NM_001136131.3); c.57+30414_57+30417del (NM_001136129.3, NM_001136130.3); c.58-28004_58-28001del (NM_001204303.2, NM_201414.3, NM_001385253.1 and 3 more transcripts).
Identifiers: ClinVar variation 2652574 (VCV002652574.24), dbSNP rs1189893361, ClinGen allele CA637457408.